The following is an entry in ClinVar:

ClinVar aggregate classification (germline): Likely benign (1 of 4 stars; one submission).

Conditions:
Loeys-Dietz syndrome 2 (LDS2). Also called: TGFBR2-Related Loeys-Dietz Syndrome; AORTIC ANEURYSM, FAMILIAL THORACIC 3; MARFAN SYNDROME, TYPE II; Marfan syndrome, type 2 (formerly); Marfan Syndrome type 2; Marfan like connective tissue disorder. Identifiers: Orphanet 284973, Orphanet 558, MedGen C2674574, MONDO:0012427, OMIM 610168.

Allele frequency attached by ClinVar (database versions not stated): ExAC 0.00001; TOPMed 0.00001.
gnomAD v4.1: 1 of 1,614,232 alleles (0.000062%); highest among the groups gnomAD compares: Non-Finnish European, 0.000085%; no homozygotes.

Submission:

All of Us Research Program, National Institutes of Health
Classification: Likely benign for Loeys-Dietz syndrome 2. Last evaluated: 2023-09-17. Review status: criteria provided, single submitter. Criteria: ACMG Guidelines, 2015. Collection method: clinical testing. Allele origin: germline. Inheritance: Autosomal dominant inheritance. Observed: 1 variant allele, 1 heterozygote.
Comment: This study involves interpretation of variants in research participants for the purpose of population health screening. Participant phenotype was not available at the time of variant classification. Additional details can be found in publication PMID: 35346344, PMCID: PMC8962531

NM_003242.6(TGFBR2):c.834C>T (p.Ile278=)

Gene: TGFBR2 (transforming growth factor beta receptor 2; plus strand). Cytogenetic location: 3p24.1.
Variant type: single nucleotide variant.
Coding change: c.834C>T on transcript NM_003242.6 (MANE Select); coding-DNA position 834, C replaced by T.
Protein change: p.Ile278=; no amino-acid change (isoleucine 278 retained).
Molecular consequence: synonymous variant. On other transcripts: intron variant (1).
Genome position (GRCh38, 1-based): chr3:30,672,017, C>T. VCF-style: chr3-30672017-C-T. GRCh37 (hg19) VCF-style: chr3-30713509-C-T.
Other names: c.837C>T, p.Ile279= (NM_001407129.1); c.834C>T, p.Ile278= (NM_001407130.1); c.729C>T, p.Ile243= (NM_001407132.1, NM_001407133.1, NM_001407134.1 and 2 more transcripts); c.549C>T, p.Ile183= (NM_001407137.1); c.474C>T, p.Ile158= (NM_001407138.1); c.530-16370C>T (NM_001407139.1); c.909C>T, p.Ile303= (NM_001024847.3); c.1017C>T, p.Ile339= (NM_001407126.1); and 2 more.
Identifiers: ClinVar variation 3073365 (VCV003073365.1), dbSNP rs779238628, ClinGen allele CA049968.